The following is an entry in ClinVar:

NM_145166.4(ZBTB47):c.1617G>A (p.Met539Ile)

Gene: ZBTB47 (zinc finger and BTB domain containing 47; plus strand). Cytogenetic location: 3p22.1.
Variant type: single nucleotide variant.
Coding change: c.1617G>A on transcript NM_145166.4 (MANE Select); coding-DNA position 1617, G replaced by A.
Protein change: p.Met539Ile; replaces methionine 539 with isoleucine.
Molecular consequence: missense variant.
Genome position (GRCh38, 1-based): chr3:42,661,628, G>A. VCF-style: chr3-42661628-G-A. GRCh37 (hg19) VCF-style: chr3-42703120-G-A.
Other names: c.1701G>A, p.Met567Ile (NM_001410746.1); short protein forms M539I, M567I.
Identifiers: ClinVar variation 4981038 (VCV004981038.1).
Genomic context (GRCh38, chr3:42,661,628, plus strand): 5'-GTTCTCATGCGAGATCTGTGAGAAGAAGTTCTACACCATGGCCCACGTGCGTAAGCACAT[G>A]GTTGGTAAGTCTGGGCCACTGGGGGATGGAGCCAGAGGATAGAGATGGACCAGCTTCTGG-3'
Protein context (NP_660149.2, residues 529-549): FYTMAHVRKH[Met539Ile]VAHTKDMPFT

ClinVar aggregate classification (germline): Uncertain significance (1 of 4 stars; one submission).

Conditions:
ZBTB47-related condition.

gnomAD v4.1: 3 of 1,613,828 alleles (0.00019%); highest among the groups gnomAD compares: African/African-American, 0.004%; no homozygotes.

Submission:

PreventionGenetics, part of Exact Sciences
Classification: Uncertain significance for ZBTB47-related condition. Last evaluated: 2025-01-04. Review status: criteria provided, single submitter. Criteria: ACMG Guidelines, 2015. Collection method: clinical testing. Allele origin: germline.
Comment: The ZBTB47 c.1617G>A variant is predicted to result in the amino acid substitution p.Met539Ile. To our knowledge, this variant has not been reported in the literature. This variant is reported in 0.0083% of alleles in individuals of African descent in gnomAD. At this time, the clinical significance of this variant is uncertain due to the absence of conclusive functional and genetic evidence.